The following is an entry in ClinVar:

ClinVar aggregate classification (germline): Uncertain significance (1 of 4 stars; one submission).

Conditions:
Hereditary spastic paraplegia 11. Also called: Spastic paraplegia, mental retardation and thin corpus callosum; SPASTIC PARAPLEGIA, AUTOSOMAL RECESSIVE, COMPLICATED, WITH THIN CORPUS CALLOSUM; SPASTIC PARAPLEGIA, AUTOSOMAL RECESSIVE, WITH MENTAL IMPAIRMENT AND THIN CORPUS CALLOSUM; Spastic Paraplegia 11; Nakamura Osame syndrome; Autosomal recessive hereditary spastic paraplegia, mental impairment, and thin corpus callosum. Identifiers: Orphanet 2822, MedGen C1858479, MONDO:0011445, OMIM 604360.

Allele frequency attached by ClinVar (database versions not stated): gnomAD 0.00001; TOPMed 0.00002.
gnomAD v4.1: 1 of 1,614,024 alleles (0.000062%); highest among the groups gnomAD compares: Non-Finnish European, 0.000085%; no homozygotes.

Submission:

Labcorp Genetics (formerly Invitae), Labcorp
Classification: Uncertain significance for Hereditary spastic paraplegia 11. Last evaluated: 2022-07-26. Review status: criteria provided, single submitter. Criteria: Invitae Variant Classification Sherloc (09022015). Collection method: clinical testing. Allele origin: germline.
Comment: This sequence change replaces aspartic acid, which is acidic and polar, with tyrosine, which is neutral and polar, at codon 316 of the SPG11 protein (p.Asp316Tyr). This variant is not present in population databases (gnomAD no frequency). This variant has not been reported in the literature in individuals affected with SPG11-related conditions. ClinVar contains an entry for this variant (Variation ID: 1043115). Algorithms developed to predict the effect of missense changes on protein structure and function are either unavailable or do not agree on the potential impact of this missense change (SIFT: "Deleterious"; PolyPhen-2: "Probably Damaging"; Align-GVGD: "Class C0"). In summary, the available evidence is currently insufficient to determine the role of this variant in disease. Therefore, it has been classified as a Variant of Uncertain Significance.

NM_025137.4(SPG11):c.946G>T (p.Asp316Tyr)

Gene: SPG11 (SPG11 vesicle trafficking associated, spatacsin; minus strand). Cytogenetic location: 15q21.1.
Variant type: single nucleotide variant.
Coding change: c.946G>T on transcript NM_025137.4 (MANE Select); coding-DNA position 946, G replaced by T.
Protein change: p.Asp316Tyr; replaces aspartic acid 316 with tyrosine.
Molecular consequence: missense variant.
Genome position (GRCh38, 1-based): chr15:44,652,190, C>A on the plus strand (G>T on the coding strand, the complement: SPG11 is on the minus strand). VCF-style: chr15-44652190-C-A. GRCh37 (hg19) VCF-style: chr15-44944388-C-A.
Other names: c.946G>T, p.Asp316Tyr (NM_001160227.2); short protein forms D316Y.
Identifiers: ClinVar variation 1043115 (VCV001043115.6), dbSNP rs1040889072, ClinGen allele CA392236943.